The following is an entry in ClinVar:

ClinVar aggregate classification (germline): Uncertain significance. Review status: criteria provided, multiple submitters, no conflicts (2 of 4 stars). 2 submissions from 2 submitters: Uncertain significance (2). Last evaluated 2023-11-20.

Allele frequency attached by ClinVar (database versions not stated): gnomAD exomes below 0.00001 and 0.00002; ExAC 0.00001; TOPMed 0.00003; gnomAD 0.00005.
gnomAD v4.1: 14 of 1,614,064 alleles (0.00087%); highest among the groups gnomAD compares: African/African-American, 0.013%; no homozygotes.

Submissions (2):

Labcorp Genetics (formerly Invitae), Labcorp
Classification: Uncertain significance. Last evaluated: 2023-11-20. Review status: criteria provided, single submitter. Criteria: Invitae Variant Classification Sherloc (09022015). Collection method: clinical testing. Allele origin: germline.
Comment: This sequence change replaces glutamic acid, which is acidic and polar, with lysine, which is basic and polar, at codon 1651 of the ABCA4 protein (p.Glu1651Lys). This variant is present in population databases (rs775080600, gnomAD 0.01%). This variant has not been reported in the literature in individuals affected with ABCA4-related conditions. ClinVar contains an entry for this variant (Variation ID: 1003921). Advanced modeling of protein sequence and biophysical properties (such as structural, functional, and spatial information, amino acid conservation, physicochemical variation, residue mobility, and thermodynamic stability) has been performed at Invitae for this missense variant, however the output from this modeling did not meet the statistical confidence thresholds required to predict the impact of this variant on ABCA4 protein function. In summary, the available evidence is currently insufficient to determine the role of this variant in disease. Therefore, it has been classified as a Variant of Uncertain Significance.

Blueprint Genetics
Classification: Uncertain significance. Last evaluated: 2022-09-02. Review status: criteria provided, single submitter. Criteria: ACMG Guidelines, 2015. Collection method: clinical testing. Allele origin: germline.

NM_000350.3(ABCA4):c.4951G>A (p.Glu1651Lys)

Genes: ABCA4 (ATP binding cassette subfamily A member 4; minus strand), LOC126805793 (CDK7 strongly-dependent group 2 enhancer GRCh37_chr1:94486302-94487501; plus strand). Cytogenetic location: 1p22.1.
Variant type: single nucleotide variant.
Coding change: c.4951G>A on transcript NM_000350.3 (MANE Select); coding-DNA position 4951, G replaced by A.
Protein change: p.Glu1651Lys; replaces glutamic acid 1651 with lysine.
Molecular consequence: missense variant.
Genome position (GRCh38, 1-based): chr1:94,021,307, C>T on the plus strand (G>A on the coding strand, the complement: ABCA4 is on the minus strand). VCF-style: chr1-94021307-C-T. GRCh37 (hg19) VCF-style: chr1-94486863-C-T.
Other names: c.4729G>A, p.Glu1577Lys (NM_001425324.1); short protein forms E1651K, E1577K.
Identifiers: ClinVar variation 1003921 (VCV001003921.8), dbSNP rs775080600, ClinGen allele CA957421.
Genomic context (GRCh38, chr1:94,021,307, plus strand): 5'-TCTCTGAGAGCTGCTCCTTGGTCAGGTTCAGGGGTTGGCTAATGACGGTGATTCCATACT[C>T]CTCGGGGCTCCTGTCCTTAGGCAGGCTGGCCCGTAAGATGGCGTTGTGGGCCACATTGAG-3'
Protein context (NP_000341.2, residues 1641-1661): ASLPKDRSPE[Glu1651Lys]YGITVISQPL